The following is an entry in ClinVar:

ClinVar aggregate classification (germline): Likely benign (1 of 4 stars; one submission).

gnomAD v4.1: 624 of 1,595,828 alleles (0.039%); highest among the groups gnomAD compares: African/African-American, 0.75%; 2 homozygotes.

Submission:

CeGaT Center for Human Genetics Tuebingen
Classification: Likely benign. Last evaluated: 2024-12-01. Review status: criteria provided, single submitter. Criteria: CeGaT Center For Human Genetics Tuebingen Variant Classification Criteria Version 2. Collection method: clinical testing. Allele origin: germline. Affected: yes. Observed: 1 variant allele.
Comment: GBP1: BS2

NM_002053.3(GBP1):c.209C>T (p.Thr70Met)

Gene: GBP1 (guanylate binding protein 1; minus strand). Cytogenetic location: 1p22.2.
Variant type: single nucleotide variant.
Coding change: c.209C>T on transcript NM_002053.3 (MANE Select); coding-DNA position 209, C replaced by T.
Protein change: p.Thr70Met; replaces threonine 70 with methionine.
Molecular consequence: missense variant.
Genome position (GRCh38, 1-based): chr1:89,060,306, G>A on the plus strand (C>T on the coding strand, the complement: GBP1 is on the minus strand). VCF-style: chr1-89060306-G-A. GRCh37 (hg19) VCF-style: chr1-89525989-G-A.
Other names: short protein forms T70M.
Identifiers: ClinVar variation 3770684 (VCV003770684.13).
Genomic context (GRCh38, chr1:89,060,306, plus strand): 5'-CCTGGCTTCTTGGGGTGGGGCACACACCACATCCAGATTCCTTTAGTGTGAGACTGCACC[G>A]TGGAGCCCAGAGAGAAGCCTGCAAGGGAGAGAGGAGACCAGCGATGGGGATTTAGTAACA-3'
Protein context (NP_002044.2, residues 60-80): GKKKGFSLGS[Thr70Met]VQSHTKGIWM